The following is an entry in ClinVar:

ClinVar aggregate classification (germline): Pathogenic (1 of 4 stars; one submission).

Conditions:
Familial adenomatous polyposis 1 (FAP1). Also called: FAMILIAL ADENOMATOUS POLYPOSIS 1, ATTENUATED; POLYPOSIS, ADENOMATOUS INTESTINAL. Identifiers: MedGen C2713442, MONDO:0021056, OMIM 175100. Disease mechanism: loss of function.

Allele frequency attached by ClinVar (database versions not stated): gnomAD exomes below 0.00001; ExAC 0.00001.

Submission:

Labcorp Genetics (formerly Invitae), Labcorp
Classification: Pathogenic for Familial adenomatous polyposis 1. Last evaluated: 2021-05-28. Review status: criteria provided, single submitter. Criteria: Invitae Variant Classification Sherloc (09022015). Collection method: clinical testing. Allele origin: germline.
Comment: For these reasons, this variant has been classified as Pathogenic. This variant has been observed in individual(s) with colorectal cancer (PMID: 29478780). This variant is present in population databases (rs752519066, ExAC 0.002%). This sequence change creates a premature translational stop signal (p.Leu69*) in the APC gene. It is expected to result in an absent or disrupted protein product. Loss-of-function variants in APC are known to be pathogenic (PMID: 17963004, 20685668).

Literature cited by the submitters: PubMed 29478780; PubMed 17963004; PubMed 20685668.

NM_000038.6(APC):c.206T>A (p.Leu69Ter)

Gene: APC (APC regulator of Wnt signaling pathway; plus strand). Cytogenetic location: 5q22.2.
Variant type: single nucleotide variant.
Coding change: c.206T>A on transcript NM_000038.6 (MANE Select); coding-DNA position 206, T replaced by A.
Protein change: p.Leu69Ter; replaces leucine 69 with a stop codon.
Molecular consequence: nonsense. On other transcripts: 5 prime UTR variant (1).
Genome position (GRCh38, 1-based): chr5:112,766,396, T>A. VCF-style: chr5-112766396-T-A. GRCh37 (hg19) VCF-style: chr5-112102093-T-A.
Other names: c.206T>A, p.Leu69Ter (NM_001127510.3, NM_001354895.2, NM_001354896.2 and 2 more transcripts); c.236T>A, p.Leu79Ter (NM_001127511.3, NM_001354897.2, NM_001354902.2); c.131T>A, p.Leu44Ter (NM_001354898.2, NM_001354904.2); c.29T>A, p.Leu10Ter (NM_001354900.2, NM_001354901.2, NM_001354905.2); c.-830T>A (NM_001354906.2); short protein forms L69*, L79*, L10*, L44*.
Identifiers: ClinVar variation 1436971 (VCV001436971.8), dbSNP rs752519066, ClinGen allele CA030661.